The following is an entry in ClinVar:

NM_001267550.2(TTN):c.68354_68357dup (p.Asn22786fs)

Genes: TTN-AS1 (TTN antisense RNA 1; plus strand), TTN (titin; minus strand). Cytogenetic location: 2q31.2.
Variant type: Microsatellite.
Coding change: c.68354_68357dup on transcript NM_001267550.2 (MANE Select); coding-DNA positions 68354 to 68357, 4 bases duplicated (GAAA; older notation c.68354_68357dupGAAA).
Protein change: p.Asn22786fs; shifts the reading frame from asparagine 22786.
Molecular consequence: frameshift variant.
Genome position (GRCh38, 1-based): chr2:178,578,158-178,578,161, TTTC duplicated on the plus strand (GAAA on the coding strand, the reverse complement: TTN is on the minus strand); duplicating any 4 consecutive bases within chr2:178,578,158-178,578,165 gives the same sequence; the c. name uses the placement nearest the transcript's 3' end. VCF-style (leftmost placement, unchanged base first): chr2-178578157-G-GTTTC. GRCh37 (hg19) VCF-style: chr2-179442884-G-GTTTC.
Other names: c.63431_63434dup, p.Asn21145fs (NM_001256850.1); c.41159_41162dup, p.Asn13721fs (NM_003319.4); c.60650_60653dup, p.Asn20218fs (NM_133378.4); c.41534_41537dup, p.Asn13846fs (NM_133432.3); c.41735_41738dup, p.Asn13913fs (NM_133437.4); short protein forms N13721fs, N13846fs, N13913fs, N20218fs, N21145fs, N22786fs.
Identifiers: ClinVar variation 4688016 (VCV004688016.1).

ClinVar aggregate classification (germline): Likely pathogenic (1 of 4 stars; one submission).

Conditions:
Dilated cardiomyopathy 1G (CMD1G). Identifiers: Orphanet 154, MedGen C1858763, MONDO:0011400, OMIM 604145.

Submission:

Human Genetics Bochum, Ruhr University Bochum
Classification: Likely pathogenic for Dilated cardiomyopathy 1G. Last evaluated: 2024-04-24. Review status: criteria provided, single submitter. Criteria: ACMG Guidelines, 2015. Collection method: clinical testing. Allele origin: germline. Affected: yes.
Comment: ACMG criteria used to clasify this variant: PVS1, PM2_SUP